The following is an entry in ClinVar:

NM_014813.3(LRIG2):c.489A>G (p.Ser163=)

Gene: LRIG2 (leucine rich repeats and immunoglobulin like domains 2; plus strand). Cytogenetic location: 1p13.2.
Variant type: single nucleotide variant.
Coding change: c.489A>G on transcript NM_014813.3 (MANE Select); coding-DNA position 489, A replaced by G.
Protein change: p.Ser163=; no amino-acid change (serine 163 retained).
Molecular consequence: synonymous variant.
Genome position (GRCh38, 1-based): chr1:113,093,538, A>G. VCF-style: chr1-113093538-A-G. GRCh37 (hg19) VCF-style: chr1-113636160-A-G.
Other names: p.Ser163=; c.180A>G, p.Ser60= (NM_001312686.2).
Identifiers: ClinVar variation 3344535 (VCV003344535.2).

ClinVar aggregate classification (germline): Benign. Review status: criteria provided, single submitter (1 of 4 stars). 2 submissions from 2 submitters: Benign (1). 1 of the submissions does not count toward it. Last evaluated 2023-04-03.

Conditions:
LRIG2-related disorder. Also called: LRIG2-related condition.

gnomAD v4.1: 13,376 of 1,584,488 alleles (0.84%); highest among the groups gnomAD compares: African/African-American, 16%; 1,006 homozygotes.

Submissions (2):

Mayo Clinic Laboratories, Mayo Clinic
Classification: Benign. Last evaluated: 2023-04-03. Review status: criteria provided, single submitter. Criteria: ACMG Guidelines, 2015. Collection method: clinical testing. Allele origin: germline. Observed: 6 variant alleles.

PreventionGenetics, part of Exact Sciences
Classification: Benign for LRIG2-related condition. Last evaluated: 2024-06-06. Review status: no assertion criteria provided. Collection method: clinical testing. Allele origin: germline. Not counted in ClinVar's aggregate classification.
Comment: This variant is classified as benign based on ACMG/AMP sequence variant interpretation guidelines (Richards et al. 2015 PMID: 25741868, with internal and published modifications).